The following is an entry in ClinVar:

ClinVar aggregate classification (germline): Pathogenic; other. Review status: criteria provided, multiple submitters, no conflicts (2 of 4 stars). 3 submissions from 3 submitters: Pathogenic (1). 1 of the submissions does not count toward it. Last evaluated 2017-10-18.

Conditions:
UGT1A1-related disorder. Also called: UGT1A1-related condition; UGT1A1-related disorders.
Gilbert syndrome. Also called: HYPERBILIRUBINEMIA, GILBERT TYPE; Gilbert Disease; Gilbert's syndrome; HYPERBILIRUBINEMIA I; HYPERBILIRUBINEMIA, ARIAS TYPE. Identifiers: MedGen C0017551, MONDO:0007745, OMIM 143500.

Submissions (3):

Eurofins Ntd Llc (ga)
Classification: other. Last evaluated: 2017-10-18. Review status: criteria provided, single submitter. Criteria: EGL Classification Definitions 2015. Collection method: clinical testing. Allele origin: germline. Observed: 5 variant alleles, 5 heterozygotes.

Rady Children's Institute for Genomic Medicine, Rady Children's Hospital San Diego
Classification: Pathogenic for UGT1A1-related disorders. Review status: criteria provided, single submitter. Criteria: ACMG Guidelines, 2015. Collection method: clinical testing. Allele origin: germline.
Comment: This variant is also referred to as (TA)7 or UGT1A1*28 in the literature, and is located in the TATA box of the UGT1A1 promoter region (PMID:7565971). Variants that change the TATA repeat length from its usual length of 6 TA repeats have been associated with Gilbert syndrome which is a mild and often asymptomatic hyperbilirubinemia (PMID: 8596320, 11003624). Furthermore, individuals who are homozygous for this variant present with elevated total bilirubin levels that are consistent with Gilbert syndrome (PMID: 7565971, 9435989, 16610035, 28520360, 11003624, 26467199). When this variant is found in compound heterozygosity with a pathogenic UGT1A1 coding variant, it may lead to a more pronounced enzyme deficiency, higher total bilirubin levels, and a clinical presentation overlapping Crigler-Najjar syndrome (PMID: 9639672, 11370628). Functional studies have shown that this variant reduces UGT1A1 gene expression (PMID: 9639672). The c.-53_-52insTA variant is present in the gnomAD population database at a frequency of 23% (7043/30582) in the heterozygous state and a frequency of 5.8% (1778/30582) in the homozygous state. Based on the available evidence, the c.-53_-52insTA variant is classified as Pathogenic.

Difficult and Complicated Liver Diseases and Artificial Liver Center, Beijing You An Hospital, Capital Medical University
Classification: Pathogenic for Gilbert syndrome. Last evaluated: 2019-05-01. Review status: no assertion criteria provided. Collection method: case-control. Allele origin: inherited. Affected: yes. Observed: 97 variant alleles. Not counted in ClinVar's aggregate classification.

NM_000463.2(UGT1A1):c.-53_-52insTA

Genes: UGT1A (UDP glucuronosyltransferase family 1 member A complex locus; plus strand), UGT1A1 (UDP glucuronosyltransferase family 1 member A1; plus strand), UGT1A10 (UDP glucuronosyltransferase family 1 member A10; plus strand), UGT1A3 (UDP glucuronosyltransferase family 1 member A3; plus strand), UGT1A4 (UDP glucuronosyltransferase family 1 member A4; plus strand) and 5 more. Cytogenetic location: 2q37.1.
Variant type: Insertion.
Coding change: c.-53_-52insTA on transcript NM_000463.2; 53 bases upstream of the start codon through 52 bases upstream of the start codon, TA inserted.
Molecular consequence: intron variant (on NM_019093.4).
Genome position: GRCh38 VCF-style: chr2-233760235-T-TTA. GRCh37 (hg19) VCF-style: chr2-234668881-T-TTA.
Other names: c.868-6799_868-6798insTA (NM_019093.4, NM_019078.2, NM_007120.3); c.61-6799_61-6798insTA (NM_205862.3); c.862-6799_862-6798insTA (NM_001072.4); c.856-6799_856-6798insTA (NM_019076.5, NM_019075.4, NM_021027.3 and 1 more transcripts).
Identifiers: ClinVar variation 594666 (VCV000594666.10), dbSNP rs1559406508, ClinGen allele CA913189477.